The following is an entry in ClinVar:

ClinVar aggregate classification (germline): Benign/Likely benign. Review status: criteria provided, multiple submitters, no conflicts (2 of 4 stars). 2 submissions from 2 submitters: Benign (1); Likely benign (1). Last evaluated 2026-01-28.

Allele frequency attached by ClinVar (database versions not stated): 1000 Genomes Project 30x 0.00047; 1000 Genomes Project 0.00060; ESP Exome Variant Server 0.00154; gnomAD exomes 0.00164; ExAC 0.00167.
gnomAD v4.1: 2,697 of 1,613,998 alleles (0.17%); highest among the groups gnomAD compares: Non-Finnish European, 0.19%; 10 homozygotes.

Submissions (9):

Labcorp Genetics (formerly Invitae), Labcorp
Classification: Benign. Last evaluated: 2026-01-28. Review status: criteria provided, single submitter. Criteria: Invitae Variant Classification Sherloc (09022015). Collection method: clinical testing. Allele origin: germline.

CeGaT Center for Human Genetics Tuebingen
Classification: Likely benign. Last evaluated: 2022-09-01. Review status: criteria provided, single submitter. Criteria: CeGaT Center For Human Genetics Tuebingen Variant Classification Criteria Version 2. Collection method: clinical testing. Allele origin: germline. Affected: yes. Observed: 1 variant allele.
Comment: FAM186B: BP4, BS2

Dr. Peter K. Rogan Lab, Western University
No classification provided (evidence only). Condition: Familial cancer of breast. Review status: no classification provided. Collection method: in vitro. Allele origin: not applicable. Functional consequence: retained intron. Not counted in ClinVar's aggregate classification.

Dr. Peter K. Rogan Lab, Western University
No classification provided (evidence only). Condition: Familial cancer of breast. Review status: no classification provided. Collection method: in vitro. Allele origin: not applicable. Functional consequence: retained intron. Not counted in ClinVar's aggregate classification.

Dr. Peter K. Rogan Lab, Western University
No classification provided (evidence only). Condition: Familial cancer of breast. Review status: no classification provided. Collection method: in vitro. Allele origin: not applicable. Functional consequence: retained intron. Not counted in ClinVar's aggregate classification.

Dr. Peter K. Rogan Lab, Western University
No classification provided (evidence only). Condition: Uterine corpus endometrial carcinoma. Review status: no classification provided. Collection method: in vitro. Allele origin: not applicable. Functional consequence: retained intron. Not counted in ClinVar's aggregate classification.

Dr. Peter K. Rogan Lab, Western University
No classification provided (evidence only). Condition: Nonpapillary renal cell carcinoma. Review status: no classification provided. Collection method: in vitro. Allele origin: not applicable. Functional consequence: retained intron. Not counted in ClinVar's aggregate classification.

Dr. Peter K. Rogan Lab, Western University
No classification provided (evidence only). Condition: Malignant tumor of esophagus. Review status: no classification provided. Collection method: in vitro. Allele origin: not applicable. Functional consequence: retained intron. Not counted in ClinVar's aggregate classification.

Dr. Peter K. Rogan Lab, Western University
No classification provided (evidence only). Condition: Malignant tumor of esophagus. Review status: no classification provided. Collection method: in vitro. Allele origin: not applicable. Functional consequence: retained intron. Not counted in ClinVar's aggregate classification.

NM_032130.3(FAM186B):c.323-5T>G

Gene: FAM186B (family with sequence similarity 186 member B; minus strand). Cytogenetic location: 12q13.12.
Variant type: single nucleotide variant.
Coding change: c.323-5T>G on transcript NM_032130.3 (MANE Select); 5 bases into the intron before coding-DNA position 323, T replaced by G.
Molecular consequence: intron variant.
Genome position (GRCh38, 1-based): chr12:49,603,372, A>C on the plus strand (T>G on the coding strand, the complement: FAM186B is on the minus strand). VCF-style: chr12-49603372-A-C. GRCh37 (hg19) VCF-style: chr12-49997155-A-C.
Identifiers: ClinVar variation 1614080 (VCV001614080.33), dbSNP rs202214677, ClinGen allele CA6554918.
Genomic context (GRCh38, chr12:49,603,372, plus strand): 5'-AGCTGCTGCTTCCTCTTCACTCTTCCTGGGCCCAATCTCATAGGTCAGAGTGTCACCTGG[A>C]GAAGGGATGGGAGGTGCAGGCTGAGAGCAGTCTGTCCTCCAGGGGGACACAGACAGCCCT-3'